The following is an entry in ClinVar:

NM_018896.5(CACNA1G):c.1654T>C (p.Ser552Pro)

Gene: CACNA1G (calcium voltage-gated channel subunit alpha1 G; plus strand). Cytogenetic location: 17q21.33.
Variant type: single nucleotide variant.
Coding change: c.1654T>C on transcript NM_018896.5 (MANE Select); coding-DNA position 1654, T replaced by C.
Protein change: p.Ser552Pro; replaces serine 552 with proline.
Molecular consequence: missense variant. On other transcripts: non-coding transcript variant (5).
Genome position (GRCh38, 1-based): chr17:50,576,056, T>C. VCF-style: chr17-50576056-T-C. GRCh37 (hg19) VCF-style: chr17-48653417-T-C.
Other names: c.1654T>C, p.Ser552Pro (NM_001256324.2, NM_001256325.2, NM_001256326.2 and 24 more transcripts); c.1654T>C (NM_018896.3); short protein forms S552P.
Identifiers: ClinVar variation 1030677 (VCV001030677.8), dbSNP rs527612343, ClinGen allele CA8652217.

ClinVar aggregate classification (germline): Conflicting classifications of pathogenicity. Review status: criteria provided, conflicting classifications (1 of 4 stars). 4 submissions from 4 submitters: Uncertain significance (3); Likely benign (1). Last evaluated 2025-06-16.

Conditions:
Inborn genetic diseases. Identifiers: MedGen C0950123, MeSH D030342.
Spinocerebellar ataxia type 42. Identifiers: Orphanet 458803, MedGen C4225205, MONDO:0014776, OMIM 616795.

Allele frequency attached by ClinVar (database versions not stated): gnomAD exomes 0.00001 and 0.00002; ExAC 0.00003; gnomAD 0.00009 and 0.00011; 1000 Genomes Project 30x 0.00016; 1000 Genomes Project 0.00020; TOPMed 0.00025.
gnomAD v4.1: 38 of 1,580,608 alleles (0.0024%); highest among the groups gnomAD compares: Admixed American, 0.036%; no homozygotes.

Submissions (4):

GeneDx
Classification: Uncertain significance. Last evaluated: 2025-06-16. Review status: criteria provided, single submitter. Criteria: GeneDx Variant Classification Process June 2021. Collection method: clinical testing. Allele origin: germline. Affected: yes.
Comment: In silico analysis supports that this missense variant has a deleterious effect on protein structure/function; Has not been previously published as pathogenic or benign to our knowledge

Ambry Genetics
Classification: Uncertain significance for Inborn genetic diseases. Last evaluated: 2024-01-02. Review status: criteria provided, single submitter. Criteria: Ambry Variant Classification Scheme 2023. Collection method: clinical testing. Allele origin: germline.

Labcorp Genetics (formerly Invitae), Labcorp
Classification: Likely benign. Last evaluated: 2022-04-13. Review status: criteria provided, single submitter. Criteria: Invitae Variant Classification Sherloc (09022015). Collection method: clinical testing. Allele origin: germline.

Baylor Genetics
Classification: Uncertain significance for Spinocerebellar ataxia type 42. Last evaluated: 2019-01-11. Review status: criteria provided, single submitter. Criteria: ACMG Guidelines, 2015. Collection method: clinical testing. Allele origin: unknown. Affected: yes.
Comment: This variant was determined to be of uncertain significance according to ACMG Guidelines, 2015 [PMID:25741868].